The following is an entry in ClinVar:

ClinVar aggregate classification (germline): Likely pathogenic (1 of 4 stars; one submission).

Conditions:
Primary ciliary dyskinesia. Also called: Ciliary dyskinesia. Identifiers: Orphanet 244, MedGen C0008780, MONDO:0016575, HP:0012265.

Submission:

Labcorp Genetics (formerly Invitae), Labcorp
Classification: Likely pathogenic for Primary ciliary dyskinesia. Last evaluated: 2022-08-06. Review status: criteria provided, single submitter. Criteria: Invitae Variant Classification Sherloc (09022015). Collection method: clinical testing. Allele origin: germline.
Comment: In summary, the currently available evidence indicates that the variant is pathogenic, but additional data are needed to prove that conclusively. Therefore, this variant has been classified as Likely Pathogenic. Algorithms developed to predict the effect of sequence changes on RNA splicing suggest that this variant may disrupt the consensus splice site. This variant has not been reported in the literature in individuals affected with DNAH5-related conditions. This variant is not present in population databases (gnomAD no frequency). This sequence change affects an acceptor splice site in intron 71 of the DNAH5 gene. It is expected to disrupt RNA splicing. Variants that disrupt the donor or acceptor splice site typically lead to a loss of protein function (PMID: 16199547), and loss-of-function variants in DNAH5 are known to be pathogenic (PMID: 11788826, 16627867).

Literature cited by the submitters: PubMed 16199547; PubMed 11788826; PubMed 16627867.

NM_001369.3(DNAH5):c.12280-1G>A

Gene: DNAH5 (dynein axonemal heavy chain 5; minus strand). Cytogenetic location: 5p15.2.
Variant type: single nucleotide variant.
Coding change: c.12280-1G>A on transcript NM_001369.3 (MANE Select); the canonical splice acceptor site of the intron before coding-DNA position 12280, G replaced by A.
Molecular consequence: splice acceptor variant.
Genome position (GRCh38, 1-based): chr5:13,719,102, C>T on the plus strand (G>A on the coding strand, the complement: DNAH5 is on the minus strand). VCF-style: chr5-13719102-C-T. GRCh37 (hg19) VCF-style: chr5-13719211-C-T.
Identifiers: ClinVar variation 2022115 (VCV002022115.4), dbSNP rs2546519097, ClinGen allele CA359211806.
Genomic context (GRCh38, chr5:13,719,102, plus strand): 5'-CATCAGCTCATCCATGAAATCAAGTCCCAGATGGCAGTTCTGCAGAAGTGCCCATCCTCC[C>T]TGTCAATAGCAGTAAACGGAAATTAGGTAGTTTTGTATTTCACCCAAATTCTAAATTATT-3'